The following is an entry in ClinVar:

ClinVar aggregate classification (germline): Benign. Review status: criteria provided, multiple submitters, no conflicts (2 of 4 stars). 3 submissions from 3 submitters: Benign (2). 1 of the submissions does not count toward it. Last evaluated 2019-12-31.

Conditions:
SRGAP3-related disorder. Also called: SRGAP3-related condition.

Allele frequency attached by ClinVar (database versions not stated): ExAC 0.00245; gnomAD 0.00756 and 0.00719; ESP Exome Variant Server 0.00800; 1000 Genomes Project 0.01018; TOPMed 0.00792; 1000 Genomes Project 30x 0.01062.
gnomAD v4.1: 2,204 of 1,614,230 alleles (0.14%); highest among the groups gnomAD compares: African/African-American, 2.4%; 30 homozygotes.

Submissions (3):

Labcorp Genetics (formerly Invitae), Labcorp
Classification: Benign. Last evaluated: 2019-12-31. Review status: criteria provided, single submitter. Criteria: Invitae Variant Classification Sherloc (09022015). Collection method: clinical testing. Allele origin: germline.

Breakthrough Genomics
Classification: Benign. Review status: criteria provided, single submitter. Criteria: ACMG Guidelines, 2015. Collection method: not provided. Allele origin: germline. Inheritance: Unknown mechanism. Affected: yes.

PreventionGenetics, part of Exact Sciences
Classification: Benign for SRGAP3-related condition. Last evaluated: 2020-01-17. Review status: no assertion criteria provided. Collection method: clinical testing. Allele origin: germline. Not counted in ClinVar's aggregate classification.
Comment: This variant is classified as benign based on ACMG/AMP sequence variant interpretation guidelines (Richards et al. 2015 PMID: 25741868, with internal and published modifications).

NM_014850.4(SRGAP3):c.870C>T (p.Asn290=)

Gene: SRGAP3 (SLIT-ROBO Rho GTPase activating protein 3; minus strand). Cytogenetic location: 3p25.3.
Variant type: single nucleotide variant.
Coding change: c.870C>T on transcript NM_014850.4 (MANE Select); coding-DNA position 870, C replaced by T.
Protein change: p.Asn290=; no amino-acid change (asparagine 290 retained).
Molecular consequence: synonymous variant.
Genome position (GRCh38, 1-based): chr3:9,058,404, G>A on the plus strand (C>T on the coding strand, the complement: SRGAP3 is on the minus strand). VCF-style: chr3-9058404-G-A. GRCh37 (hg19) VCF-style: chr3-9100088-G-A.
Other names: c.870C>T, p.Asn290= (NM_001033117.3).
Identifiers: ClinVar variation 785998 (VCV000785998.7), dbSNP rs61745234, ClinGen allele CA2238013.